The following is an entry in ClinVar:

NM_152296.5(ATP1A3):c.327G>A (p.Ala109=)

Gene: ATP1A3 (ATPase Na+/K+ transporting subunit alpha 3; minus strand). Cytogenetic location: 19q13.2.
Variant type: single nucleotide variant.
Coding change: c.327G>A on transcript NM_152296.5 (MANE Select); coding-DNA position 327, G replaced by A.
Protein change: p.Ala109=; no amino-acid change (alanine 109 retained).
Molecular consequence: synonymous variant.
Genome position (GRCh38, 1-based): chr19:41,987,966, C>T on the plus strand (G>A on the coding strand, the complement: ATP1A3 is on the minus strand). VCF-style: chr19-41987966-C-T. GRCh37 (hg19) VCF-style: chr19-42492118-C-T.
Other names: c.360G>A, p.Ala120= (NM_001256213.2); c.366G>A, p.Ala122= (NM_001256214.2); c.366G>A (NM_001256214.1).
Identifiers: ClinVar variation 1583475 (VCV001583475.11), dbSNP rs781907306, ClinGen allele CA9467904.

ClinVar aggregate classification (germline): Likely benign. Review status: criteria provided, multiple submitters, no conflicts (2 of 4 stars). 4 submissions from 4 submitters: Likely benign (4). Last evaluated 2026-07-01.

Conditions:
ATP1A3-related disorder. Also called: ATP1A3-related condition; ATP1A3-related disorders. Identifiers: MedGen CN381097.
Dystonia 12 (DYT12). Also called: DYT-ATP1A3; Rapid-Onset Dystonia-Parkinsonism (RDP). Identifiers: Orphanet 71517, MedGen C1868681, MONDO:0007496, OMIM 128235.

Allele frequency attached by ClinVar (database versions not stated): gnomAD 0.00003; gnomAD exomes 0.00004; TOPMed 0.00005; ExAC 0.00007.
gnomAD v4.1: 29 of 1,613,908 alleles (0.0018%); highest among the groups gnomAD compares: East Asian, 0.036%; no homozygotes.

Submissions (4):

CeGaT Center for Human Genetics Tuebingen
Classification: Likely benign. Last evaluated: 2026-07-01. Review status: criteria provided, single submitter. Criteria: CeGaT Center For Human Genetics Tuebingen Variant Classification Criteria Version 2. Collection method: clinical testing. Allele origin: germline. Affected: yes. Observed: 1 variant allele.
Comment: ATP1A3: BP4, BP7

Labcorp Genetics (formerly Invitae), Labcorp
Classification: Likely benign for Dystonia 12. Last evaluated: 2025-05-05. Review status: criteria provided, single submitter. Criteria: Invitae Variant Classification Sherloc (09022015). Collection method: clinical testing. Allele origin: germline.

PreventionGenetics, part of Exact Sciences
Classification: Likely benign for ATP1A3-related condition. Last evaluated: 2024-11-13. Review status: criteria provided, single submitter. Criteria: ACMG Guidelines, 2015. Collection method: clinical testing. Allele origin: germline.
Comment: This variant is classified as likely benign based on ACMG/AMP sequence variant interpretation guidelines (Richards et al. 2015 PMID: 25741868, with internal and published modifications).

Blueprint Genetics
Classification: Likely benign. Last evaluated: 2021-08-20. Review status: criteria provided, single submitter. Criteria: ACMG Guidelines, 2015. Collection method: clinical testing. Allele origin: germline.